The following is an entry in ClinVar:

ClinVar aggregate classification (germline): Uncertain significance (1 of 4 stars; one submission).

Conditions:
Hereditary cancer-predisposing syndrome. Also called: Neoplastic Syndromes, Hereditary; Tumor predisposition; Hereditary Cancer Syndrome; Hereditary neoplastic syndrome. Identifiers: Orphanet 140162, MedGen C0027672, MeSH D009386, MONDO:0015356.

Submission:

Ambry Genetics
Classification: Uncertain significance for Hereditary cancer-predisposing syndrome. Last evaluated: 2026-03-09. Review status: criteria provided, single submitter. Criteria: Ambry Variant Classification Scheme 2023. Collection method: clinical testing. Allele origin: germline.
Comment: The p.P117R variant (also known as c.350C>G), located in coding exon 1 of the CDKN1B gene, results from a C to G substitution at nucleotide position 350. The proline at codon 117 is replaced by arginine, an amino acid with dissimilar properties. This amino acid position is conserved. In addition, this alteration is predicted to be tolerated by in silico analysis. Since supporting evidence is limited at this time, the clinical significance of this alteration remains unclear.

NM_004064.5(CDKN1B):c.350C>G (p.Pro117Arg)

Gene: CDKN1B (cyclin dependent kinase inhibitor 1B; plus strand). Cytogenetic location: 12p13.1.
Variant type: single nucleotide variant.
Coding change: c.350C>G on transcript NM_004064.5 (MANE Select); coding-DNA position 350, C replaced by G.
Protein change: p.Pro117Arg; replaces proline 117 with arginine.
Molecular consequence: missense variant.
Genome position (GRCh38, 1-based): chr12:12,718,189, C>G. VCF-style: chr12-12718189-C-G. GRCh37 (hg19) VCF-style: chr12-12871123-C-G.
Other names: short protein forms P117R.
Identifiers: ClinVar variation 4828681 (VCV004828681.1).